The following is an entry in ClinVar:

NM_003072.5(SMARCA4):c.1795A>G (p.Ile599Val)

Gene: SMARCA4 (SWI/SNF related BAF chromatin remodeling complex subunit ATPase 4; plus strand). Cytogenetic location: 19p13.2.
Variant type: single nucleotide variant.
Coding change: c.1795A>G on transcript NM_003072.5 (MANE Select); coding-DNA position 1795, A replaced by G.
Protein change: p.Ile599Val; replaces isoleucine 599 with valine.
Molecular consequence: missense variant. On other transcripts: non-coding transcript variant (1).
Genome position (GRCh38, 1-based): chr19:10,996,527, A>G. VCF-style: chr19-10996527-A-G. GRCh37 (hg19) VCF-style: chr19-11107203-A-G.
Other names: c.1795A>G, p.Ile599Val (NM_001128844.3, NM_001128845.2, NM_001128846.2 and 6 more transcripts); short protein forms I599V.
Identifiers: ClinVar variation 1780248 (VCV001780248.2), dbSNP rs1331615242, ClinGen allele CA404064840.
Genomic context (GRCh38, chr19:10,996,527, plus strand): 5'-CCTGACCGTGTCTCTCTCTATTTCCAGAAGGCAGAAAATGCAGAAGGACAGACGCCTGCC[A>G]TTGGGCCGGATGGCGAGGTGAGGAAGCAGGGTTTCTTGTGGAAGTATCAAGCTAGCCCTA-3'
Protein context (NP_003063.2, residues 589-609): AENAEGQTPA[Ile599Val]GPDGEPLDET

ClinVar aggregate classification (germline): Uncertain significance (1 of 4 stars; one submission).

Conditions:
Hereditary cancer-predisposing syndrome. Also called: Neoplastic Syndromes, Hereditary; Tumor predisposition; Hereditary Cancer Syndrome; Hereditary neoplastic syndrome. Identifiers: Orphanet 140162, MedGen C0027672, MeSH D009386, MONDO:0015356.

Allele frequency attached by ClinVar (database versions not stated): gnomAD exomes below 0.00001.

Submission:

Ambry Genetics
Classification: Uncertain significance for Hereditary cancer-predisposing syndrome. Last evaluated: 2015-08-03. Review status: criteria provided, single submitter. Criteria: Ambry Variant Classification Scheme 2023. Collection method: clinical testing. Allele origin: germline.
Comment: The p.I599V variant (also known as c.1795A>G), located in coding exon 10 of the SMARCA4 gene, results from an A to G substitution at nucleotide position 1795. The isoleucine at codon 599 is replaced by valine, an amino acid with highly similar properties. This variant was not reported in population based cohorts in the following databases: Database of Single Nucleotide Polymorphisms (dbSNP), NHLBI Exome Sequencing Project (ESP), and 1000 Genomes Project. In the ESP, this variant was not observed in 6503 samples (13006 alleles) with coverage at this position. This amino acid position is well conserved in available vertebrate species. In addition, this alteration is predicted to be benign and tolerated by PolyPhen and SIFT in silico analyses, respectively. Since supporting evidence is limited at this time, the clinical significance of p.I599V remains unclear.